The following is an entry in ClinVar:

ClinVar aggregate classification (germline): Pathogenic (1 of 4 stars; one submission).

Conditions:
Intellectual developmental disorder, autosomal dominant 43. Also called: Intellectual disability, autosomal dominant 43. Identifiers: MedGen C4707429, MONDO:0014858, OMIM 616977.

Submission:

Broad Center for Mendelian Genomics, Broad Institute of MIT and Harvard
Classification: Pathogenic for Intellectual developmental disorder, autosomal dominant 43. Last evaluated: 2023-05-01. Review status: criteria provided, single submitter. Criteria: ACMG/ClinGen CNV Guidelines, 2019. Collection method: research. Allele origin: germline. Inheritance: Autosomal dominant inheritance. Affected: yes.
Comment: These breakpoints have been called by exome sequencing only and therefore may not reflect the true breakpoints. The patient phenotype is nonspecific, but is consistent with cases described in the literature and/or published databases with overlapping variants. There is complete overlap with the HIVEP2 gene which is known to be haploinsufficient and has been assessed by the ClinGen Dosage Sensitivity Working Group. Data from large population studies are insufficient to assess the frequency of this variant. In summary, this variant meets criteria to be classified as pathogenic for autosomal dominant intellectual developmental disorder. The ACMG/ClinGen evidence codes and points used in this curation are as follows: 1: 0 points, 2: 1 points, 3: 0 points, 4-5: 0.15 points; Total: 1.15 points; Riggs 2020 (PMID: 31690835).

Single allele

Genes: ADAT2 (adenosine deaminase tRNA specific 2; minus strand), ADGRG6 (adhesion G protein-coupled receptor G6; plus strand), AIG1 (androgen induced 1; plus strand), FUCA2 (alpha-L-fucosidase 2; minus strand), GJE1 (gap junction protein epsilon 1; plus strand) and 109 more. Cytogenetic location: 6q24.1-24.2.
Variant type: Deletion.
Identifiers: ClinVar variation 4819224 (VCV004819224.1).